The following is an entry in ClinVar:

NM_000553.6(WRN):c.260C>T (p.Pro87Leu)

Gene: WRN (WRN RecQ like helicase; plus strand). Cytogenetic location: 8p12.
Variant type: single nucleotide variant.
Coding change: c.260C>T on transcript NM_000553.6 (MANE Select); coding-DNA position 260, C replaced by T.
Protein change: p.Pro87Leu; replaces proline 87 with leucine.
Molecular consequence: missense variant.
Genome position (GRCh38, 1-based): chr8:31,064,339, C>T. VCF-style: chr8-31064339-C-T. GRCh37 (hg19) VCF-style: chr8-30921855-C-T.
Other names: short protein forms P87L.
Identifiers: ClinVar variation 3665344 (VCV003665344.2).

ClinVar aggregate classification (germline): Uncertain significance (1 of 4 stars; one submission).

Conditions:
Werner syndrome (WRN). Identifiers: Orphanet 902, MedGen C0043119, MONDO:0010196, OMIM 277700.

Submission:

Labcorp Genetics (formerly Invitae), Labcorp
Classification: Uncertain significance for Werner syndrome. Last evaluated: 2025-01-28. Review status: criteria provided, single submitter. Criteria: Invitae Variant Classification Sherloc (09022015). Collection method: clinical testing. Allele origin: germline.
Comment: This sequence change replaces proline, which is neutral and non-polar, with leucine, which is neutral and non-polar, at codon 87 of the WRN protein (p.Pro87Leu). This variant is not present in population databases (gnomAD no frequency). This variant has not been reported in the literature in individuals affected with WRN-related conditions. An algorithm developed to predict the effect of missense changes on protein structure and function (PolyPhen-2) suggests that this variant is likely to be disruptive. In summary, the available evidence is currently insufficient to determine the role of this variant in disease. Therefore, it has been classified as a Variant of Uncertain Significance.